The following is an entry in ClinVar:

ClinVar aggregate classification (germline): Uncertain significance. Review status: criteria provided, multiple submitters, no conflicts (2 of 4 stars). 3 submissions from 3 submitters: Uncertain significance (2). 1 of the submissions does not count toward it. Last evaluated 2025-01-15.

Conditions:
Inborn genetic diseases. Identifiers: MedGen C0950123, MeSH D030342.
Deficiency of alpha-mannosidase (MANSA). Also called: LYSOSOMAL ALPHA-D-MANNOSIDASE DEFICIENCY; Alpha-Mannosidosis; Mannosidosis, alpha-, types I and II. Identifiers: Orphanet 61, MedGen C0024748, MONDO:0009561, OMIM 248500.

Allele frequency attached by ClinVar (database versions not stated): gnomAD exomes 0.00001.
gnomAD v4.1: 11 of 1,614,194 alleles (0.00068%); highest among the groups gnomAD compares: South Asian, 0.0011%; no homozygotes.

Submissions (3):

Ambry Genetics
Classification: Uncertain significance for Inborn genetic diseases. Last evaluated: 2025-01-15. Review status: criteria provided, single submitter. Criteria: Ambry Variant Classification Scheme 2023. Collection method: clinical testing. Allele origin: germline.

Labcorp Genetics (formerly Invitae), Labcorp
Classification: Uncertain significance for Deficiency of alpha-mannosidase. Last evaluated: 2021-09-01. Review status: criteria provided, single submitter. Criteria: Invitae Variant Classification Sherloc (09022015). Collection method: clinical testing. Allele origin: germline.
Comment: This sequence change replaces aspartic acid with asparagine at codon 294 of the MAN2B1 protein (p.Asp294Asn). The aspartic acid residue is weakly conserved and there is a small physicochemical difference between aspartic acid and asparagine. This variant is not present in population databases (ExAC no frequency). This variant has not been reported in the literature in individuals affected with MAN2B1-related conditions. Algorithms developed to predict the effect of missense changes on protein structure and function output the following: SIFT: "Tolerated"; PolyPhen-2: "Benign"; Align-GVGD: "Class C0". The asparagine amino acid residue is found in multiple mammalian species, which suggests that this missense change does not adversely affect protein function. In summary, the available evidence is currently insufficient to determine the role of this variant in disease. Therefore, it has been classified as a Variant of Uncertain Significance.

Natera, Inc.
Classification: Uncertain significance for Alpha-mannosidosis. Last evaluated: 2020-04-09. Review status: no assertion criteria provided. Collection method: clinical testing. Allele origin: germline. Not counted in ClinVar's aggregate classification.

NM_000528.4(MAN2B1):c.880G>A (p.Asp294Asn)

Gene: MAN2B1 (mannosidase alpha class 2B member 1; minus strand). Cytogenetic location: 19p13.13.
Variant type: single nucleotide variant.
Coding change: c.880G>A on transcript NM_000528.4 (MANE Select); coding-DNA position 880, G replaced by A.
Protein change: p.Asp294Asn; replaces aspartic acid 294 with asparagine.
Molecular consequence: missense variant.
Genome position (GRCh38, 1-based): chr19:12,663,346, C>T on the plus strand (G>A on the coding strand, the complement: MAN2B1 is on the minus strand). VCF-style: chr19-12663346-C-T. GRCh37 (hg19) VCF-style: chr19-12774160-C-T.
Other names: c.880G>A, p.Asp294Asn (NM_001173498.2); short protein forms D294N.
Identifiers: ClinVar variation 951951 (VCV000951951.12), dbSNP rs973412688, ClinGen allele CA305477585.